The following is an entry in ClinVar:

ClinVar aggregate classification (germline): Uncertain significance (1 of 4 stars; one submission).

Conditions:
C syndrome. Also called: OPITZ TRIGONOCEPHALY SYNDROME; TRIGONOCEPHALY SYNDROME. Identifiers: Orphanet 1308, MedGen C0796095, MONDO:0008893, OMIM 211750.

Submission:

Neuberg Centre For Genomic Medicine, NCGM
Classification: Uncertain significance for C syndrome. Review status: criteria provided, single submitter. Criteria: ACMG Guidelines, 2015. Collection method: clinical testing. Allele origin: germline. Inheritance: Autosomal dominant inheritance. Affected: yes.
Comment: The observed missense c.12A>T (p.Lys4Asn) variant in CD96 gene has not been reported previously as a pathogenic variant nor as a benign variant, to our knowledge. The p.Lys4Asn variant is absent in gnomAD Exomes. This variant has not been submitted to the ClinVar database. Computational evidence (Polyphen - Probably Damaging, SIFT - Damaging and MutationTaster - Polymorphism) predicts conflicting evidence on protein structure and function for this variant. The reference amino acid of p.Ser440Pro in PORCN is predicted as conserved by GERP++ and PhyloP across 100 vertebrates. The amino acid Ser at position 440 is changed to a Pro changing protein sequence and it might alter its composition and physico-chemical properties. For these reasons, this variant has been classified as a Variant of Uncertain Significance (VUS).

NM_005816.5(CD96):c.12A>T (p.Lys4Asn)

Gene: CD96 (CD96 molecule; plus strand). Cytogenetic location: 3q13.13.
Variant type: single nucleotide variant.
Coding change: c.12A>T on transcript NM_005816.5 (MANE Select); coding-DNA position 12, A replaced by T.
Protein change: p.Lys4Asn; replaces lysine 4 with asparagine.
Molecular consequence: missense variant. On other transcripts: non-coding transcript variant (1).
Genome position (GRCh38, 1-based): chr3:111,542,260, A>T. VCF-style: chr3-111542260-A-T. GRCh37 (hg19) VCF-style: chr3-111261107-A-T.
Other names: c.12A>T, p.Lys4Asn (NM_001318889.2, NM_001410800.1, NM_198196.3); short protein forms K4N.
Identifiers: ClinVar variation 3362818 (VCV003362818.3).
Genomic context (GRCh38, chr3:111,542,260, plus strand): 5'-TGACTTTGTGATCATTACAGAAATGCTGGTGTAAGGTGTTCAGAAGACAATGGAGAAAAA[A>T]TGGAAATACTGTGCTGTCTATTACATCATCCAGATACATTTTGTCAAGGGTAAGACTTCC-3'
Protein context (NP_005807.1, residues 1-14): MEK[Lys4Asn]WKYCAVYYII